The following is an entry in ClinVar:

ClinVar aggregate classification (germline): Uncertain significance (1 of 4 stars; one submission).

Conditions:
Agammaglobulinemia 2, autosomal recessive (AGM2). Also called: AGAMMAGLOBULINEMIA, AUTOSOMAL RECESSIVE, DUE TO IGLL1 DEFECT. Identifiers: MedGen C3150750, MONDO:0013287, OMIM 613500.

Submission:

Labcorp Genetics (formerly Invitae), Labcorp
Classification: Uncertain significance for Agammaglobulinemia 2, autosomal recessive. Last evaluated: 2020-11-10. Review status: criteria provided, single submitter. Criteria: Invitae Variant Classification Sherloc (09022015). Collection method: clinical testing. Allele origin: germline.
Comment: In summary, the available evidence is currently insufficient to determine the role of this variant in disease. Therefore, it has been classified as a Variant of Uncertain Significance. Algorithms developed to predict the effect of missense changes on protein structure and function are either unavailable or do not agree on the potential impact of this missense change (SIFT: "Tolerated"; PolyPhen-2: "Possibly Damaging"; Align-GVGD: "Class C0"). This variant has not been reported in the literature in individuals with IGLL1-related conditions. The frequency data for this variant in the population databases is considered unreliable, as metrics indicate insufficient coverage at this position in the ExAC database. This sequence change replaces threonine with arginine at codon 5 of the IGLL1 protein (p.Thr5Arg). The threonine residue is weakly conserved and there is a moderate physicochemical difference between threonine and arginine.

NM_020070.4(IGLL1):c.14C>G (p.Thr5Arg)

Gene: IGLL1 (immunoglobulin lambda like polypeptide 1; minus strand). Cytogenetic location: 22q11.23.
Variant type: single nucleotide variant.
Coding change: c.14C>G on transcript NM_020070.4 (MANE Select); coding-DNA position 14, C replaced by G.
Protein change: p.Thr5Arg; replaces threonine 5 with arginine.
Molecular consequence: missense variant.
Genome position (GRCh38, 1-based): chr22:23,580,177, G>C on the plus strand (C>G on the coding strand, the complement: IGLL1 is on the minus strand). VCF-style: chr22-23580177-G-C. GRCh37 (hg19) VCF-style: chr22-23922364-G-C.
Other names: c.14C>G, p.Thr5Arg (NM_001369906.1, NM_152855.3); short protein forms T5R.
Identifiers: ClinVar variation 1387818 (VCV001387818.8), dbSNP rs2123706017, ClinGen allele CA410899659.